The following is an entry in ClinVar:

NM_002691.4(POLD1):c.2397C>G (p.Phe799Leu)

Gene: POLD1 (DNA polymerase delta 1, catalytic subunit; plus strand). Cytogenetic location: 19q13.33.
Variant type: single nucleotide variant.
Coding change: c.2397C>G on transcript NM_002691.4 (MANE Select); coding-DNA position 2397, C replaced by G.
Protein change: p.Phe799Leu; replaces phenylalanine 799 with leucine.
Molecular consequence: missense variant. On other transcripts: non-coding transcript variant (1).
Genome position (GRCh38, 1-based): chr19:50,414,823, C>G. VCF-style: chr19-50414823-C-G. GRCh37 (hg19) VCF-style: chr19-50918080-C-G.
Other names: c.2397C>G, p.Phe799Leu (NM_001256849.1); c.2475C>G, p.Phe825Leu (NM_001308632.1); short protein forms F799L, F825L.
Identifiers: ClinVar variation 3308282 (VCV003308282.1).

ClinVar aggregate classification (germline): Uncertain significance (1 of 4 stars; one submission).

Conditions:
Hereditary cancer-predisposing syndrome. Also called: Tumor predisposition; Hereditary Cancer Syndrome; Hereditary neoplastic syndrome; Neoplastic Syndromes, Hereditary. Identifiers: Orphanet 140162, MedGen C0027672, MeSH D009386, MONDO:0015356.

gnomAD v4.1: 1 of 1,577,528 alleles (0.000063%); no homozygotes.

Submission:

Ambry Genetics
Classification: Uncertain significance for Hereditary cancer-predisposing syndrome. Last evaluated: 2024-04-06. Review status: criteria provided, single submitter. Criteria: Ambry Variant Classification Scheme 2023. Collection method: clinical testing. Allele origin: germline.
Comment: The p.F799L variant (also known as c.2397C>G), located in coding exon 19 of the POLD1 gene, results from a C to G substitution at nucleotide position 2397. The phenylalanine at codon 799 is replaced by leucine, an amino acid with highly similar properties. This amino acid position is conserved. In addition, this alteration is predicted to be tolerated by in silico analysis. Based on the available evidence, the clinical significance of this variant remains unclear.